The following is an entry in ClinVar:

ClinVar aggregate classification (germline): Uncertain significance. Review status: criteria provided, multiple submitters, no conflicts (2 of 4 stars). 2 submissions from 2 submitters: Uncertain significance (2). Last evaluated 2024-08-21.

Conditions:
Hereditary cancer-predisposing syndrome. Also called: Neoplastic Syndromes, Hereditary; Tumor predisposition; Hereditary Cancer Syndrome; Hereditary neoplastic syndrome. Identifiers: Orphanet 140162, MedGen C0027672, MeSH D009386, MONDO:0015356.
Oligodontia-cancer predisposition syndrome. Also called: TOOTH AGENESIS-COLORECTAL CANCER SYNDROME. Identifiers: Orphanet 300576, MedGen C1837750, MONDO:0012075, OMIM 608615. Disease mechanism: loss of function.

Submissions (2):

Labcorp Genetics (formerly Invitae), Labcorp
Classification: Uncertain significance for Oligodontia-cancer predisposition syndrome. Last evaluated: 2024-08-21. Review status: criteria provided, single submitter. Criteria: Invitae Variant Classification Sherloc (09022015). Collection method: clinical testing. Allele origin: germline.
Comment: This sequence change replaces glutamic acid, which is acidic and polar, with lysine, which is basic and polar, at codon 392 of the AXIN2 protein (p.Glu392Lys). This variant is not present in population databases (gnomAD no frequency). This variant has not been reported in the literature in individuals affected with AXIN2-related conditions. ClinVar contains an entry for this variant (Variation ID: 1001427). Invitae Evidence Modeling of protein sequence and biophysical properties (such as structural, functional, and spatial information, amino acid conservation, physicochemical variation, residue mobility, and thermodynamic stability) indicates that this missense variant is expected to disrupt AXIN2 protein function with a positive predictive value of 80%. In summary, the available evidence is currently insufficient to determine the role of this variant in disease. Therefore, it has been classified as a Variant of Uncertain Significance.

Ambry Genetics
Classification: Uncertain significance for Hereditary cancer-predisposing syndrome. Last evaluated: 2024-07-23. Review status: criteria provided, single submitter. Criteria: Ambry Variant Classification Scheme 2023. Collection method: clinical testing. Allele origin: germline.
Comment: The p.E392K variant (also known as c.1174G>A), located in coding exon 4 of the AXIN2 gene, results from a G to A substitution at nucleotide position 1174. The glutamic acid at codon 392 is replaced by lysine, an amino acid with similar properties. This amino acid position is conserved. In addition, the in silico prediction for this alteration is inconclusive. Based on the available evidence, the clinical significance of this variant remains unclear.

NM_004655.4(AXIN2):c.1174G>A (p.Glu392Lys)

Gene: AXIN2 (axin 2; minus strand). Cytogenetic location: 17q24.1.
Variant type: single nucleotide variant.
Coding change: c.1174G>A on transcript NM_004655.4 (MANE Select); coding-DNA position 1174, G replaced by A.
Protein change: p.Glu392Lys; replaces glutamic acid 392 with lysine.
Molecular consequence: missense variant.
Genome position (GRCh38, 1-based): chr17:65,538,229, C>T on the plus strand (G>A on the coding strand, the complement: AXIN2 is on the minus strand). VCF-style: chr17-65538229-C-T. GRCh37 (hg19) VCF-style: chr17-63534347-C-T.
Other names: c.1174G>A, p.Glu392Lys (NM_001363813.1); c.1174G>A (NM_004655.3); short protein forms E392K.
Identifiers: ClinVar variation 1001427 (VCV001001427.8), dbSNP rs765441834, ClinGen allele CA293098936.
Genomic context (GRCh38, chr17:65,538,229, plus strand): 5'-GACGGAAGCAGGAAGAAGGCCTAGGCCGCATTACCTCTCGGATCTGCTGCAGGCGCTCCT[C>T]CAGGCTGTGGCGGCTCTCCAACTCCAGCTTCAGCTTTTCCAGCCTCGAGATCAGCTCAGC-3'
Protein context (NP_004646.3, residues 382-402): KLELESRHSL[Glu392Lys]ERLQQIREDE